The following is an entry in ClinVar:

NM_172362.3(KCNH1):c.1790T>C (p.Phe597Ser)

Gene: KCNH1 (potassium voltage-gated channel subfamily H member 1; minus strand). Cytogenetic location: 1q32.2.
Variant type: single nucleotide variant.
Coding change: c.1790T>C on transcript NM_172362.3 (MANE Select); coding-DNA position 1790, T replaced by C.
Protein change: p.Phe597Ser; replaces phenylalanine 597 with serine.
Molecular consequence: missense variant.
Genome position (GRCh38, 1-based): chr1:210,797,633, A>G on the plus strand (T>C on the coding strand, the complement: KCNH1 is on the minus strand). VCF-style: chr1-210797633-A-G. GRCh37 (hg19) VCF-style: chr1-210970975-A-G.
Other names: c.1709T>C, p.Phe570Ser (NM_002238.4); short protein forms F570S, F597S.
Identifiers: ClinVar variation 1451849 (VCV001451849.6), dbSNP rs2102400448, ClinGen allele CA344872608.

ClinVar aggregate classification (germline): Pathogenic (1 of 4 stars; one submission).

Submission:

Labcorp Genetics (formerly Invitae), Labcorp
Classification: Pathogenic. Last evaluated: 2021-10-28. Review status: criteria provided, single submitter. Criteria: Invitae Variant Classification Sherloc (09022015). Collection method: clinical testing. Allele origin: germline.
Comment: For these reasons, this variant has been classified as Pathogenic. Advanced modeling of protein sequence and biophysical properties (such as structural, functional, and spatial information, amino acid conservation, physicochemical variation, residue mobility, and thermodynamic stability) performed at Invitae indicates that this missense variant is expected to disrupt KCNH1 protein function. This missense change has been observed in individual(s) with clinical features of KCNH1-related conditions (Invitae). In at least one individual the variant was observed to be de novo. This variant is not present in population databases (gnomAD no frequency). This sequence change replaces phenylalanine, which is neutral and non-polar, with serine, which is neutral and polar, at codon 597 of the KCNH1 protein (p.Phe597Ser).